The following is an entry in ClinVar:

NM_006206.6(PDGFRA):c.2002+3G>A

Gene: PDGFRA (platelet derived growth factor receptor alpha; plus strand). Cytogenetic location: 4q12.
Variant type: single nucleotide variant.
Coding change: c.2002+3G>A on transcript NM_006206.6 (MANE Select); 3 bases into the intron after coding-DNA position 2002, G replaced by A.
Molecular consequence: intron variant.
Genome position (GRCh38, 1-based): chr4:54,278,009, G>A. VCF-style: chr4-54278009-G-A. GRCh37 (hg19) VCF-style: chr4-55144176-G-A.
Other names: c.2077+3G>A (NM_001347828.2); c.2002+3G>A (NM_001347827.2, NM_001347829.2); c.2041+3G>A (NM_001347830.2).
Identifiers: ClinVar variation 2034131 (VCV002034131.4), dbSNP rs2475512275, ClinGen allele CA2580071228.
Genomic context (GRCh38, chr4:54,278,009, plus strand): 5'-ACTCACCTGGGGCCACATTTGAACATTGTAAACTTGCTGGGAGCCTGCACCAAGTCAGGT[G>A]GGCTCACTGACCTGGAGTGAGGATTTTCACTGGACACATGTGGTTGTGAAAACTGTTCAA-3'

ClinVar aggregate classification (germline): Uncertain significance (1 of 4 stars; one submission).

Conditions:
Gastrointestinal stromal tumor. Also called: Gastrointestinal stroma tumor; Gastrointestinal stromal tumor, somatic. Identifiers: Orphanet 44890, MedGen C0238198, MeSH D046152, MONDO:0011719, OMIM 606764, HP:0100723.

Submission:

Labcorp Genetics (formerly Invitae), Labcorp
Classification: Uncertain significance for Gastrointestinal stromal tumor. Last evaluated: 2022-10-05. Review status: criteria provided, single submitter. Criteria: Invitae Variant Classification Sherloc (09022015). Collection method: clinical testing. Allele origin: germline.
Comment: In summary, the available evidence is currently insufficient to determine the role of this variant in disease. Therefore, it has been classified as a Variant of Uncertain Significance. Variants that disrupt the consensus splice site are a relatively common cause of aberrant splicing (PMID: 17576681, 9536098). Algorithms developed to predict the effect of sequence changes on RNA splicing suggest that this variant is not likely to affect RNA splicing. This variant has not been reported in the literature in individuals affected with PDGFRA-related conditions. This variant is not present in population databases (gnomAD no frequency). This sequence change falls in intron 14 of the PDGFRA gene. It does not directly change the encoded amino acid sequence of the PDGFRA protein. It affects a nucleotide within the consensus splice site.

Literature cited by the submitters: PubMed 17576681; PubMed 9536098.